The following is an entry in ClinVar:

NM_000231.3(SGCG):c.49_50dup (p.Pro18fs)

Gene: SGCG (sarcoglycan gamma; plus strand). Cytogenetic location: 13q12.12.
Variant type: Microsatellite.
Coding change: c.49_50dup on transcript NM_000231.3 (MANE Select); coding-DNA positions 49 to 50, 2 bases duplicated (AG; older notation c.49_50dupAG).
Protein change: p.Pro18fs; shifts the reading frame from proline 18.
Molecular consequence: frameshift variant.
Genome position (GRCh38, 1-based): chr13:23,203,743-23,203,744, AG duplicated; duplicating any 2 consecutive bases within chr13:23,203,739-23,203,744 gives the same sequence; the c. name uses the placement nearest the transcript's 3' end. VCF-style (leftmost placement, unchanged base first): chr13-23203738-T-TAG. GRCh37 (hg19) VCF-style: chr13-23777877-T-TAG.
Other names: c.103_104dup, p.Pro36fs (NM_001378244.1); c.49_50dup, p.Pro18fs (NM_001378245.1, NM_001378246.1); short protein forms P18fs, P36fs.
Identifiers: ClinVar variation 3775711 (VCV003775711.1).

ClinVar aggregate classification (germline): Pathogenic (1 of 4 stars; one submission).

Conditions:
Autosomal recessive limb-girdle muscular dystrophy type 2C (LGMDR5). Also called: MUSCULAR DYSTROPHY, DUCHENNE-LIKE; MUSCULAR DYSTROPHY, LIMB-GIRDLE, AUTOSOMAL RECESSIVE 5. Identifiers: Orphanet 353, MedGen C0410173, MONDO:0009677, OMIM 253700. Disease mechanism: Affects gamma-sarcoglycan and also disrupts the integrity of the entire sarcoglycan complex..

Submission:

3billion
Classification: Pathogenic for Autosomal recessive limb-girdle muscular dystrophy type 2C. Last evaluated: 2023-09-27. Review status: criteria provided, single submitter. Criteria: ACMG Guidelines, 2015. Collection method: clinical testing. Allele origin: germline. Affected: yes.
Comment: The variant is not observed in the gnomAD v2.1.1 dataset. Predicted Consequence/Location: Frameshift: predicted to result in a loss or disruption of normal protein function through nonsense-mediated decay (NMD) or protein truncation. Multiple pathogenic variants are reported downstream of the variant. Therefore, this variant is classified as Pathogenic according to the recommendation of ACMG/AMP guideline.